The following is an entry in ClinVar:

NM_004260.4(RECQL4):c.1865T>A (p.Leu622Gln)

Gene: RECQL4 (RecQ like helicase 4; minus strand). Cytogenetic location: 8q24.3.
Variant type: single nucleotide variant.
Coding change: c.1865T>A on transcript NM_004260.4 (MANE Select); coding-DNA position 1865, T replaced by A.
Protein change: p.Leu622Gln; replaces leucine 622 with glutamine.
Molecular consequence: missense variant. On other transcripts: non-coding transcript variant (3).
Genome position (GRCh38, 1-based): chr8:144,514,202, A>T on the plus strand (T>A on the coding strand, the complement: RECQL4 is on the minus strand). VCF-style: chr8-144514202-A-T. GRCh37 (hg19) VCF-style: chr8-145739586-A-T.
Other names: c.1769T>A, p.Leu590Gln (NM_001413017.1, NM_001413020.1); c.1865T>A, p.Leu622Gln (NM_001413018.1, NM_001413019.1, NM_001413036.1); c.794T>A, p.Leu265Gln (NM_001413021.1, NM_001413022.1, NM_001413023.1 and 6 more transcripts); c.1736T>A, p.Leu579Gln (NM_001413025.1); c.728T>A, p.Leu243Gln (NM_001413027.1, NM_001413041.1, NM_001413030.1 and 1 more transcripts); c.662T>A, p.Leu221Gln (NM_001413037.1); c.1835T>A, p.Leu612Gln (NM_001413039.1); c.764T>A, p.Leu255Gln (NM_001413042.1); and 4 more; short protein forms L133Q, L199Q, L221Q, L243Q, L255Q, L265Q, L505Q, L578Q.
Identifiers: ClinVar variation 4863200 (VCV004863200.1).
Genomic context (GRCh38, chr8:144,514,202, plus strand): 5'-AGCCCATCCCGGCCCTGGCCGCCCACCCCAGTTCACATATGGCTCACCTTGCAGACGCGC[A>T]GGTAGCAGGGCCGGAAGTTGTGGGACCACTGGGAGAGGCAGTGGGCCTCATCAATGCAGG-3'
Protein context (NP_004251.4, residues 612-632): QWSHNFRPCY[Leu622Gln]RVCKVLRERM

ClinVar aggregate classification (germline): Uncertain significance (1 of 4 stars; one submission).

Conditions:
Inborn genetic diseases. Identifiers: MedGen C0950123, MeSH D030342.

Submission:

Ambry Genetics
Classification: Uncertain significance for Inborn genetic diseases. Last evaluated: 2026-05-21. Review status: criteria provided, single submitter. Criteria: Ambry Variant Classification Scheme 2023. Collection method: clinical testing. Allele origin: germline.
Comment: The p.L622Q variant (also known as c.1865T>A), located in coding exon 11 of the RECQL4 gene, results from a T to A substitution at nucleotide position 1865. The leucine at codon 622 is replaced by glutamine, an amino acid with dissimilar properties. This amino acid position is conserved. In addition, this alteration is predicted to be deleterious by in silico analysis. Based on the available evidence, the clinical significance of this variant remains unclear.